The following is an entry in ClinVar:

NM_001195263.2(PDZD7):c.1153A>G (p.Ser385Gly)

Gene: PDZD7 (PDZ domain containing 7; minus strand). Cytogenetic location: 10q24.31.
Variant type: single nucleotide variant.
Coding change: c.1153A>G on transcript NM_001195263.2 (MANE Select); coding-DNA position 1153, A replaced by G.
Protein change: p.Ser385Gly; replaces serine 385 with glycine.
Molecular consequence: missense variant.
Genome position (GRCh38, 1-based): chr10:101,018,993, T>C on the plus strand (A>G on the coding strand, the complement: PDZD7 is on the minus strand). VCF-style: chr10-101018993-T-C. GRCh37 (hg19) VCF-style: chr10-102778750-T-C.
Other names: c.1153A>G, p.Ser385Gly (NM_001351044.2, NM_024895.5); short protein forms S385G.
Identifiers: ClinVar variation 958308 (VCV000958308.9), dbSNP rs761148643, ClinGen allele CA5654150.

ClinVar aggregate classification (germline): Uncertain significance (1 of 4 stars; one submission).

Allele frequency attached by ClinVar (database versions not stated): gnomAD exomes below 0.00001 and 0.00001; TOPMed below 0.00001; ExAC 0.00003.
gnomAD v4.1: 2 of 1,581,840 alleles (0.00013%); highest among the groups gnomAD compares: South Asian, 0.0012%; no homozygotes.

Submission:

Labcorp Genetics (formerly Invitae), Labcorp
Classification: Uncertain significance. Last evaluated: 2024-05-06. Review status: criteria provided, single submitter. Criteria: Invitae Variant Classification Sherloc (09022015). Collection method: clinical testing. Allele origin: germline.
Comment: This sequence change replaces serine, which is neutral and polar, with glycine, which is neutral and non-polar, at codon 385 of the PDZD7 protein (p.Ser385Gly). The frequency data for this variant in the population databases is considered unreliable, as metrics indicate poor data quality at this position in the gnomAD database. This variant has not been reported in the literature in individuals affected with PDZD7-related conditions. ClinVar contains an entry for this variant (Variation ID: 958308). Advanced modeling of protein sequence and biophysical properties (such as structural, functional, and spatial information, amino acid conservation, physicochemical variation, residue mobility, and thermodynamic stability) performed at Invitae indicates that this missense variant is not expected to disrupt PDZD7 protein function with a negative predictive value of 80%. In summary, the available evidence is currently insufficient to determine the role of this variant in disease. Therefore, it has been classified as a Variant of Uncertain Significance.